The following is an entry in ClinVar:

ClinVar aggregate classification (germline): Pathogenic (1 of 4 stars; one submission).

Submission:

Athena Diagnostics
Classification: Pathogenic. Last evaluated: 2018-11-02. Review status: criteria provided, single submitter. Criteria: Athena Diagnostics Criteria. Collection method: clinical testing. Allele origin: germline.
Comment: The variant disrupts a canonical splice site, and is therefore predicted to significantly disrupt the protein structure. Found in at least one symptomatic patient, and not found in general population data.

NM_004006.3(DMD):c.1973_1992+966del

Gene: DMD (dystrophin; minus strand). Cytogenetic location: Xp21.1.
Variant type: Deletion.
Coding change: c.1973_1992+966del on transcript NM_004006.3 (MANE Select); coding-DNA position 1973 through 966 bases into the intron after coding-DNA position 1992, 986 bases deleted.
Molecular consequence: splice donor variant.
Genome position (GRCh38, 1-based): chrX:32,564,736-32,565,721, 986 bases deleted. GRCh37 (hg19): chrX:32,582,855-32,583,840.
Other names: c.1949_1968+966del (NM_000109.4); c.1961_1980+966del (NM_004009.3); c.1604_1623+966del (NM_004010.3).
Identifiers: ClinVar variation 804745 (VCV000804745.1), dbSNP rs1603636515, ClinGen allele CA915950976.